The following is an entry in ClinVar:

NM_005732.4(RAD50):c.929A>G (p.Asn310Ser)

Gene: RAD50 (RAD50 double strand break repair protein; plus strand). Cytogenetic location: 5q31.1.
Variant type: single nucleotide variant.
Coding change: c.929A>G on transcript NM_005732.4 (MANE Select); coding-DNA position 929, A replaced by G.
Protein change: p.Asn310Ser; replaces asparagine 310 with serine.
Molecular consequence: missense variant.
Genome position (GRCh38, 1-based): chr5:132,587,967, A>G. VCF-style: chr5-132587967-A-G. GRCh37 (hg19) VCF-style: chr5-131923659-A-G.
Other names: short protein forms N310S.
Identifiers: ClinVar variation 408390 (VCV000408390.18), dbSNP rs777333852, ClinGen allele CA3405063.

ClinVar aggregate classification (germline): Uncertain significance. Review status: criteria provided, multiple submitters, no conflicts (2 of 4 stars). 3 submissions from 3 submitters: Uncertain significance (3). Last evaluated 2025-05-27.

Conditions:
Hereditary cancer-predisposing syndrome. Also called: Hereditary Cancer Syndrome; Hereditary neoplastic syndrome; Neoplastic Syndromes, Hereditary; Tumor predisposition. Identifiers: Orphanet 140162, MedGen C0027672, MeSH D009386, MONDO:0015356.

Allele frequency attached by ClinVar (database versions not stated): TOPMed below 0.00001; ExAC 0.00001; gnomAD 0.00001; gnomAD exomes 0.00001.
gnomAD v4.1: 1 of 1,612,936 alleles (0.000062%); highest among the groups gnomAD compares: Non-Finnish European, 0.000085%; no homozygotes.

Submissions (3):

Labcorp Genetics (formerly Invitae), Labcorp
Classification: Uncertain significance for Hereditary cancer-predisposing syndrome. Last evaluated: 2025-05-27. Review status: criteria provided, single submitter. Criteria: Invitae Variant Classification Sherloc (09022015). Collection method: clinical testing. Allele origin: germline.
Comment: This sequence change replaces asparagine, which is neutral and polar, with serine, which is neutral and polar, at codon 310 of the RAD50 protein (p.Asn310Ser). This variant is present in population databases (rs777333852, gnomAD 0.002%). This variant has not been reported in the literature in individuals affected with RAD50-related conditions. ClinVar contains an entry for this variant (Variation ID: 408390). Invitae Evidence Modeling of protein sequence and biophysical properties (such as structural, functional, and spatial information, amino acid conservation, physicochemical variation, residue mobility, and thermodynamic stability) indicates that this missense variant is not expected to disrupt RAD50 protein function with a negative predictive value of 80%. RNA analysis performed to evaluate the impact of this missense change on mRNA splicing indicates it does not significantly alter splicing (internal data). In summary, the available evidence is currently insufficient to determine the role of this variant in disease. Therefore, it has been classified as a Variant of Uncertain Significance.

Quest Diagnostics Nichols Institute San Juan Capistrano
Classification: Uncertain significance. Last evaluated: 2025-04-08. Review status: criteria provided, single submitter. Criteria: Quest Diagnostics criteria. Collection method: clinical testing. Allele origin: unknown.
Comment: The RAD50 c.929A>G (p.Asn310Ser) variant has been reported in the published literature in individuals with breast cancer and reportedly unaffected individuals (PMID: 33471991 (2021), see also LOVD). The frequency of this variant in the general population (Genome Aggregation Database) is uninformative in the assessment of its pathogenicity. Analysis of this variant using bioinformatics tools for the prediction of the effect of amino acid changes on protein structure and function yielded predictions that this variant is benign. Based on the available information, we are unable to determine the clinical significance of this variant.

Ambry Genetics
Classification: Uncertain significance for Hereditary cancer-predisposing syndrome. Last evaluated: 2025-01-27. Review status: criteria provided, single submitter. Criteria: Ambry Variant Classification Scheme 2023. Collection method: clinical testing. Allele origin: germline.
Comment: The p.N310S variant (also known as c.929A>G), located in coding exon 7 of the RAD50 gene, results from an A to G substitution at nucleotide position 929. The asparagine at codon 310 is replaced by serine, an amino acid with highly similar properties. This amino acid position is highly conserved in available vertebrate species. In addition, this alteration is predicted to be tolerated by in silico analysis. Since supporting evidence is limited at this time, the clinical significance of this alteration remains unclear.

Literature cited by the submitters: PubMed 33339169 (cited by Quest Diagnostics Nichols Institute San Juan Capistrano); PubMed 38878505 (cited by Quest Diagnostics Nichols Institute San Juan Capistrano); PubMed 33471991 (cited by Quest Diagnostics Nichols Institute San Juan Capistrano).